The following is an entry in ClinVar:

NM_013247.5(HTRA2):c.383C>T (p.Pro128Leu)

Gene: HTRA2 (HtrA serine peptidase 2; plus strand). Cytogenetic location: 2p13.1.
Variant type: single nucleotide variant.
Coding change: c.383C>T on transcript NM_013247.5 (MANE Select); coding-DNA position 383, C replaced by T.
Protein change: p.Pro128Leu; replaces proline 128 with leucine.
Molecular consequence: missense variant. On other transcripts: non-coding transcript variant (1).
Genome position (GRCh38, 1-based): chr2:74,530,389, C>T. VCF-style: chr2-74530389-C-T. GRCh37 (hg19) VCF-style: chr2-74757516-C-T.
Other names: c.383C>T, p.Pro128Leu (NM_001321727.1, NM_001321728.1, NM_145074.2); short protein forms P128L.
Identifiers: ClinVar variation 1521151 (VCV001521151.4), dbSNP rs757704467, ClinGen allele CA1728339.
Genomic context (GRCh38, chr2:74,530,389, plus strand): 5'-CGGTGGCGCTGGGCGCTGGGGGGGCAGTGCTGTTGTTGTTGTGGGGCGGGGGTCGGGGTC[C>T]TCCGGCCGTCCTCGCCGCCGTCCCTAGCCCGCCGCCCGCTTCTCCCCGGAGTCAGTACAA-3'
Protein context (NP_037379.1, residues 118-138): LLLLWGGGRG[Pro128Leu]PAVLAAVPSP

ClinVar aggregate classification (germline): Uncertain significance (1 of 4 stars; one submission).

Allele frequency attached by ClinVar (database versions not stated): gnomAD exomes 0.00001; TOPMed 0.00003; gnomAD 0.00004.
gnomAD v4.1: 92 of 1,592,688 alleles (0.0058%); highest among the groups gnomAD compares: Non-Finnish European, 0.0073%; no homozygotes.

Submission:

Labcorp Genetics (formerly Invitae), Labcorp
Classification: Uncertain significance. Last evaluated: 2021-11-27. Review status: criteria provided, single submitter. Criteria: Invitae Variant Classification Sherloc (09022015). Collection method: clinical testing. Allele origin: germline.
Comment: In summary, the available evidence is currently insufficient to determine the role of this variant in disease. Therefore, it has been classified as a Variant of Uncertain Significance. Algorithms developed to predict the effect of missense changes on protein structure and function output the following: SIFT: "Tolerated"; PolyPhen-2: "Benign"; Align-GVGD: "Class C0". The leucine amino acid residue is found in multiple mammalian species, which suggests that this missense change does not adversely affect protein function. This missense change has been observed in individual(s) with Parkinson‚Äôs disease and in controls (PMID: 18364387). The frequency data for this variant in the population databases is considered unreliable, as metrics indicate poor data quality at this position in the gnomAD database. This sequence change replaces proline, which is neutral and non-polar, with leucine, which is neutral and non-polar, at codon 128 of the HTRA2 protein (p.Pro128Leu).

Literature cited by the submitters: PubMed 18364387.